The following is an entry in ClinVar:

NM_000399.5(EGR2):c.1391G>T (p.Gly464Val)

Gene: EGR2 (early growth response 2; minus strand). Cytogenetic location: 10q21.3.
Variant type: single nucleotide variant.
Coding change: c.1391G>T on transcript NM_000399.5 (MANE Select); coding-DNA position 1391, G replaced by T.
Protein change: p.Gly464Val; replaces glycine 464 with valine.
Molecular consequence: missense variant.
Genome position (GRCh38, 1-based): chr10:62,813,247, C>A on the plus strand (G>T on the coding strand, the complement: EGR2 is on the minus strand). VCF-style: chr10-62813247-C-A. GRCh37 (hg19) VCF-style: chr10-64573007-C-A.
Other names: c.1391G>T, p.Gly464Val (NM_001136177.3, NM_001136178.2); c.1241G>T, p.Gly414Val (NM_001136179.3, NM_001321037.2); short protein forms G464V, G414V.
Identifiers: ClinVar variation 242311 (VCV000242311.6), dbSNP rs878855324, ClinGen allele CA10583956.

ClinVar aggregate classification (germline): Uncertain significance. Review status: criteria provided, multiple submitters, no conflicts (2 of 4 stars). 2 submissions from 2 submitters: Uncertain significance (2). Last evaluated 2022-05-02.

Conditions:
Charcot-Marie-Tooth disease, type I (CMT1). Also called: Charcot-Marie-Tooth, Type 1; Charcot-Marie-Tooth disease type 1. Identifiers: Orphanet 65753, MedGen C0751036, MONDO:0019011.

Allele frequency attached by ClinVar (database versions not stated): TOPMed below 0.00001.

Submissions (2):

Labcorp Genetics (formerly Invitae), Labcorp
Classification: Uncertain significance for Charcot-Marie-Tooth disease, type I. Last evaluated: 2022-05-02. Review status: criteria provided, single submitter. Criteria: Invitae Variant Classification Sherloc (09022015). Collection method: clinical testing. Allele origin: germline.
Comment: This sequence change replaces glycine, which is neutral and non-polar, with valine, which is neutral and non-polar, at codon 464 of the EGR2 protein (p.Gly464Val). In summary, the available evidence is currently insufficient to determine the role of this variant in disease. Therefore, it has been classified as a Variant of Uncertain Significance. Experimental studies and prediction algorithms are not available or were not evaluated, and the functional significance of this variant is currently unknown. ClinVar contains an entry for this variant (Variation ID: 242311). This variant has not been reported in the literature in individuals affected with EGR2-related conditions. This variant is not present in population databases (gnomAD no frequency).

GeneDx
Classification: Uncertain significance. Last evaluated: 2016-01-15. Review status: criteria provided, single submitter. Criteria: GeneDx Variant Classification (06012015). Collection method: clinical testing. Allele origin: germline. Affected: yes.
Comment: The G464V variant has not been published as a pathogenic variant, nor has it been reported as a benign variant to our knowledge. It was not observed in approximately 6,500 individuals of European and African American ancestry in the NHLBI Exome Sequencing Project, indicating it is not a common benign variant in these populations. The G464V variant is a conservative amino acid substitution, which is not likely to impact secondary protein structure as these residues share similar properties. However, this substitution occurs at a position that is conserved in mammals. In silico analysis is inconsistent in its predictions as to whether or not the G464V variant is damaging to the protein structure/function. Based on the currently available information, it is unclear whether this variant is a pathogenic variant or a rare benign variant.